The following is an entry in ClinVar:

NM_002471.4(MYH6):c.622G>A (p.Asp208Asn)

Genes: MYH6 (myosin heavy chain 6; minus strand), LOC114827851 (VISTA enhancer hs2155; plus strand). Cytogenetic location: 14q11.2.
Variant type: single nucleotide variant.
Coding change: c.622G>A on transcript NM_002471.4 (MANE Select); coding-DNA position 622, G replaced by A.
Protein change: p.Asp208Asn; replaces aspartic acid 208 with asparagine.
Molecular consequence: missense variant.
Genome position (GRCh38, 1-based): chr14:23,404,731, C>T on the plus strand (G>A on the coding strand, the complement: MYH6 is on the minus strand). VCF-style: chr14-23404731-C-T. GRCh37 (hg19) VCF-style: chr14-23873940-C-T.
Other names: short protein forms D208N.
Identifiers: ClinVar variation 44541 (VCV000044541.68), dbSNP rs142027794, ClinGen allele CA134488.
Genomic context (GRCh38, chr14:23,404,731, plus strand): 5'-CCCAACCCCTGTTCTGCCGAGCCTGTGTCCCCCATGGCACCTTGTTCGCATTGGCATTGT[C>T]CTTCTTGCCACGGTCACCTATGGCTGCAATGCTGGCAAAGTACTGGATGACACGCTTGGT-3'
Protein context (NP_002462.2, residues 198-218): IAAIGDRGKK[Asp208Asn]NANANKGTLE

ClinVar aggregate classification (germline): Benign/Likely benign. Review status: criteria provided, multiple submitters, no conflicts (2 of 4 stars). 17 submissions from 17 submitters: Benign (7); Likely benign (4). 6 of the submissions do not count toward it. Last evaluated 2026-09-01.

Conditions:
Cardiovascular phenotype. Identifiers: MedGen CN230736.
Cardiomyopathy (CMYO). Also called: Cardiomyopathies. Identifiers: Orphanet 167848, MedGen C0878544, MONDO:0004994, HP:0001638. Inheritance: Various modes of inheritance.
Hypertrophic cardiomyopathy 14. Identifiers: MedGen C2750467, MONDO:0013197, OMIM 613251.
Heart failure. Identifiers: MedGen C0018801, MONDO:0005252.

Allele frequency attached by ClinVar (database versions not stated): 1000 Genomes Project 0.00200; gnomAD exomes 0.00486; ESP Exome Variant Server 0.00492; gnomAD 0.00417 and 0.00415; ExAC 0.00550; TOPMed 0.00467; 1000 Genomes Project 30x 0.00187.
gnomAD v4.1: 10,873 of 1,614,128 alleles (0.67%); highest among the groups gnomAD compares: Non-Finnish European, 0.82%; 50 homozygotes.

Submissions (17):

CeGaT Center for Human Genetics Tuebingen
Classification: Benign. Last evaluated: 2026-09-01. Review status: criteria provided, single submitter. Criteria: CeGaT Center For Human Genetics Tuebingen Variant Classification Criteria Version 2. Collection method: clinical testing. Allele origin: germline. Affected: yes. Observed: 17 variant alleles.
Comment: MYH6: BS1, BS2

Labcorp Genetics (formerly Invitae), Labcorp
Classification: Benign for Hypertrophic cardiomyopathy 14. Last evaluated: 2026-02-03. Review status: criteria provided, single submitter. Criteria: Invitae Variant Classification Sherloc (09022015). Collection method: clinical testing. Allele origin: germline.

ARUP Laboratories, Molecular Genetics and Genomics, ARUP Laboratories
Classification: Benign. Last evaluated: 2025-06-23. Review status: criteria provided, single submitter. Criteria: ARUP Molecular Germline Variant Investigation Process 2024. Collection method: clinical testing. Allele origin: germline.

Ambry Genetics
Classification: Likely benign for Cardiovascular phenotype. Last evaluated: 2018-06-07. Review status: criteria provided, single submitter. Criteria: Ambry General Variant Classification Scheme_2022. Collection method: clinical testing. Allele origin: germline. Observed: 1 variant allele.

CHEO Genetics Diagnostic Laboratory, Children's Hospital of Eastern Ontario
Classification: Benign for Cardiomyopathy. Last evaluated: 2017-09-29. Review status: criteria provided, single submitter. Criteria: ACMG Guidelines, 2015. Collection method: clinical testing. Allele origin: germline. Study: Canadian Open Genetics Repository.

Center for Advanced Laboratory Medicine, UC San Diego Health, University of California San Diego
Classification: Benign for Heart failure. Last evaluated: 2017-03-14. Review status: criteria provided, single submitter. Criteria: ACMG Guidelines, 2015. Collection method: clinical testing. Allele origin: germline. Affected: yes. Observed: 1 variant allele.

GeneDx
Classification: Benign. Last evaluated: 2016-11-07. Review status: criteria provided, single submitter. Criteria: GeneDx Variant Classification (06012015). Collection method: clinical testing. Allele origin: germline. Affected: yes.
Comment: This variant is considered likely benign or benign based on one or more of the following criteria: it is a conservative change, it occurs at a poorly conserved position in the protein, it is predicted to be benign by multiple in silico algorithms, and/or has population frequency not consistent with disease.

Laboratory for Molecular Medicine, Mass General Brigham Personalized Medicine
Classification: Likely benign. Last evaluated: 2014-12-10. Review status: criteria provided, single submitter. Criteria: LMM Criteria. Collection method: clinical testing. Allele origin: germline. Observed: 15 variant alleles.
Comment: p.Asp208Asn in exon 7 of MYH6: This variant is not expected to have clinical sig nificance because it has been identified in 0.8% (554/67686) of European chromos omes by the Exome Aggregation Consortium (ExAC; dbSNP rs142027794).

Biesecker Lab/Clinical Genomics Section, National Institutes of Health
Classification: Benign. Last evaluated: 2013-06-24. Review status: criteria provided, single submitter. Criteria: Ng et al. (Circ Cardiovasc Genet. 2013). Collection method: research. Allele origin: unknown. Observed: 10 variant alleles. Study: ClinSeq.
Comment: The study set was not selected for affection status in relation to any cancer. Pathogenicity categories were based on literature curation. See Pubmed ID:23861362 for details.

Medical sequencing

Breakthrough Genomics
Classification: Likely benign. Review status: criteria provided, single submitter. Criteria: ACMG Guidelines, 2015. Collection method: not provided. Allele origin: germline. Inheritance: Autosomal dominant inheritance. Affected: yes.

Molecular Diagnostic Laboratory for Inherited Cardiovascular Disease, Montreal Heart Institute
Classification: Likely benign. Review status: criteria provided, single submitter. Criteria: ACMG Guidelines, 2015. Collection method: clinical testing. Allele origin: germline. Affected: yes.

Clinical Genetics DNA and cytogenetics Diagnostics Lab, Erasmus MC, Erasmus Medical Center
Classification: Benign. Review status: no assertion criteria provided. Collection method: clinical testing. Allele origin: germline. Affected: yes. Study: VKGL Data-share Consensus. Not counted in ClinVar's aggregate classification.

Clinical Genetics, Academic Medical Center
Classification: Benign. Review status: no assertion criteria provided. Collection method: clinical testing. Allele origin: germline. Affected: yes. Study: VKGL Data-share Consensus. Not counted in ClinVar's aggregate classification.

Diagnostic Laboratory, Department of Genetics, University Medical Center Groningen
Classification: Likely benign. Review status: no assertion criteria provided. Collection method: clinical testing. Allele origin: germline. Affected: yes. Study: VKGL Data-share Consensus. Not counted in ClinVar's aggregate classification.

Genome Diagnostics Laboratory, University Medical Center Utrecht
Classification: Likely benign. Review status: no assertion criteria provided. Collection method: clinical testing. Allele origin: germline. Affected: yes. Study: VKGL Data-share Consensus. Not counted in ClinVar's aggregate classification.

Joint Genome Diagnostic Labs from Nijmegen and Maastricht, Radboudumc and MUMC+
Classification: Benign. Review status: no assertion criteria provided. Collection method: clinical testing. Allele origin: germline. Affected: yes. Study: VKGL Data-share Consensus. Not counted in ClinVar's aggregate classification.

Laboratory of Diagnostic Genome Analysis, Leiden University Medical Center (LUMC)
Classification: Likely benign. Review status: no assertion criteria provided. Collection method: clinical testing. Allele origin: germline. Affected: yes. Study: VKGL Data-share Consensus. Not counted in ClinVar's aggregate classification.

Literature cited by the submitters: PubMed 20656787 (cited by Laboratory for Molecular Medicine, Mass General Brigham Personalized Medicine).